The following is an entry in ClinVar:

NM_013450.4(BAZ2B):c.3239T>A (p.Ile1080Asn)

Gene: BAZ2B (bromodomain adjacent to zinc finger domain 2B; minus strand). Cytogenetic location: 2q24.2.
Variant type: single nucleotide variant.
Coding change: c.3239T>A on transcript NM_013450.4 (MANE Select); coding-DNA position 3239, T replaced by A.
Protein change: p.Ile1080Asn; replaces isoleucine 1080 with asparagine.
Molecular consequence: missense variant.
Genome position (GRCh38, 1-based): chr2:159,386,585, A>T on the plus strand (T>A on the coding strand, the complement: BAZ2B is on the minus strand). VCF-style: chr2-159386585-A-T. GRCh37 (hg19) VCF-style: chr2-160243096-A-T.
Other names: c.3131T>A, p.Ile1044Asn (NM_001289975.1); c.3077T>A, p.Ile1026Asn (NM_001329857.2); c.3164T>A, p.Ile1055Asn (NM_001329858.2); short protein forms I1026N, I1044N, I1055N, I1080N.
Identifiers: ClinVar variation 3373037 (VCV003373037.1).
Genomic context (GRCh38, chr2:159,386,585, plus strand): 5'-AAGAACTGCACCACCATGAGACAGTCTGAAAATGTACTTCCAGAGAGAACAAGTCCTGGA[A>T]TACGAGGCAACTCTGGCAAAGGCTGAAAATAAAATGAAATACAAATAAAATAAAAACAGC-3'
Protein context (NP_038478.2, residues 1070-1090): DQKPLPELPR[Ile1080Asn]PGLVLSGSTF

ClinVar aggregate classification (germline): Uncertain significance (1 of 4 stars; one submission).

Submission:

GeneDx
Classification: Uncertain significance. Last evaluated: 2024-04-24. Review status: criteria provided, single submitter. Criteria: GeneDx Variant Classification Process June 2021. Collection method: clinical testing. Allele origin: germline. Affected: yes.
Comment: Not observed at significant frequency in large population cohorts (gnomAD); In silico analysis supports that this missense variant has a deleterious effect on protein structure/function; Has not been previously published as pathogenic or benign to our knowledge